The following is an entry in ClinVar:

NM_002156.5(HSPD1):c.1022A>C (p.Asp341Ala)

Gene: HSPD1 (heat shock protein family D (Hsp60) member 1; minus strand). Cytogenetic location: 2q33.1.
Variant type: single nucleotide variant.
Coding change: c.1022A>C on transcript NM_002156.5 (MANE Select); coding-DNA position 1022, A replaced by C.
Protein change: p.Asp341Ala; replaces aspartic acid 341 with alanine.
Molecular consequence: missense variant.
Genome position (GRCh38, 1-based): chr2:197,489,195, T>G on the plus strand (A>C on the coding strand, the complement: HSPD1 is on the minus strand). VCF-style: chr2-197489195-T-G. GRCh37 (hg19) VCF-style: chr2-198353919-T-G.
Other names: c.1022A>C, p.Asp341Ala (NM_199440.2); short protein forms D341A.
Identifiers: ClinVar variation 1993628 (VCV001993628.4), dbSNP rs761534155, ClinGen allele CA2043436.

ClinVar aggregate classification (germline): Uncertain significance (1 of 4 stars; one submission).

Conditions:
Spastic paraplegia. Identifiers: MedGen C0037772, HP:0001258.

Allele frequency attached by ClinVar (database versions not stated): gnomAD 0.00001; TOPMed 0.00001; ExAC 0.00002.
gnomAD v4.1: 3 of 1,614,010 alleles (0.00019%); highest among the groups gnomAD compares: African/African-American, 0.004%; no homozygotes.

Submission:

Labcorp Genetics (formerly Invitae), Labcorp
Classification: Uncertain significance for Spastic paraplegia. Last evaluated: 2022-05-12. Review status: criteria provided, single submitter. Criteria: Invitae Variant Classification Sherloc (09022015). Collection method: clinical testing. Allele origin: germline.
Comment: In summary, the available evidence is currently insufficient to determine the role of this variant in disease. Therefore, it has been classified as a Variant of Uncertain Significance. Algorithms developed to predict the effect of missense changes on protein structure and function are either unavailable or do not agree on the potential impact of this missense change (SIFT: "Tolerated"; PolyPhen-2: "Probably Damaging"; Align-GVGD: "Class C0"). This variant has not been reported in the literature in individuals affected with HSPD1-related conditions. This variant is present in population databases (rs761534155, gnomAD 0.02%). This sequence change replaces aspartic acid, which is acidic and polar, with alanine, which is neutral and non-polar, at codon 341 of the HSPD1 protein (p.Asp341Ala).